The following is an entry in ClinVar:

NM_001257096.2(PAX1):c.478A>T (p.Ile160Phe)

Gene: PAX1 (paired box 1; plus strand). Cytogenetic location: 20p11.22.
Variant type: single nucleotide variant.
Coding change: c.478A>T on transcript NM_001257096.2 (MANE Select); coding-DNA position 478, A replaced by T.
Protein change: p.Ile160Phe; replaces isoleucine 160 with phenylalanine.
Molecular consequence: missense variant.
Genome position (GRCh38, 1-based): chr20:21,706,629, A>T. VCF-style: chr20-21706629-A-T. GRCh37 (hg19) VCF-style: chr20-21687267-A-T.
Other names: c.478A>T, p.Ile160Phe (NM_006192.5); short protein forms I160F.
Identifiers: ClinVar variation 2121979 (VCV002121979.1), dbSNP rs977462944, ClinGen allele CA313027461.
Genomic context (GRCh38, chr20:21,706,629, plus strand): 5'-CTCCGCGTATCCCACGGCTGCGTGAGCAAGATCCTGGCGCGCTACAACGAGACCGGCTCC[A>T]TTCTGCCCGGGGCCATCGGGGGGAGCAAGCCCCGCGTCACCACTCCCAACGTGGTCAAGC-3'
Protein context (NP_001244025.1, residues 150-170): ILARYNETGS[Ile160Phe]LPGAIGGSKP

ClinVar aggregate classification (germline): Uncertain significance (1 of 4 stars; one submission).

Allele frequency attached by ClinVar (database versions not stated): gnomAD exomes below 0.00001; gnomAD 0.00001; TOPMed 0.00002.

Submission:

Labcorp Genetics (formerly Invitae), Labcorp
Classification: Uncertain significance. Last evaluated: 2022-04-06. Review status: criteria provided, single submitter. Criteria: Invitae Variant Classification Sherloc (09022015). Collection method: clinical testing. Allele origin: germline.
Comment: This sequence change replaces isoleucine, which is neutral and non-polar, with phenylalanine, which is neutral and non-polar, at codon 160 of the PAX1 protein (p.Ile160Phe). This variant is not present in population databases (gnomAD no frequency). This variant has not been reported in the literature in individuals affected with PAX1-related conditions. Algorithms developed to predict the effect of missense changes on protein structure and function are either unavailable or do not agree on the potential impact of this missense change (SIFT: "Deleterious"; PolyPhen-2: "Probably Damaging"; Align-GVGD: "Class C15"). In summary, the available evidence is currently insufficient to determine the role of this variant in disease. Therefore, it has been classified as a Variant of Uncertain Significance.